The following is an entry in ClinVar:

NC_000009.12:g.35658038_35658042dup

Gene: RMRP (RNA component of mitochondrial RNA processing endoribonuclease; minus strand). Cytogenetic location: 9p13.3.
Variant type: Duplication.
Genome position: GRCh38 VCF-style: chr9-35658037-A-AGTAGT. GRCh37 (hg19) VCF-style: chr9-35658034-A-AGTAGT.
Identifiers: ClinVar variation 2167739 (VCV002167739.1), dbSNP rs727502779, ClinGen allele CA587570251.

ClinVar aggregate classification (germline): Uncertain significance (1 of 4 stars; one submission).

Conditions:
Anauxetic dysplasia. Identifiers: Orphanet 93347, MedGen C1846796, MONDO:0011773.

Allele frequency attached by ClinVar (database versions not stated): gnomAD exomes below 0.00001; TOPMed below 0.00001; gnomAD 0.00001.

Submission:

Labcorp Genetics (formerly Invitae), Labcorp
Classification: Uncertain significance for Anauxetic dysplasia. Last evaluated: 2022-03-23. Review status: criteria provided, single submitter. Criteria: Invitae Variant Classification Sherloc (09022015). Collection method: clinical testing. Allele origin: germline.
Comment: This variant occurs in the RMRP gene, which encodes an RNA molecule that does not result in a protein product. This variant is not present in population databases (gnomAD no frequency). This variant has not been reported in the literature in individuals affected with RMRP-related conditions. Experimental studies and prediction algorithms are not available or were not evaluated, and the functional significance of this variant is currently unknown. In summary, the available evidence is currently insufficient to determine the role of this variant in disease. Therefore, it has been classified as a Variant of Uncertain Significance.